The following is an entry in ClinVar:

ClinVar aggregate classification (germline): Benign (1 of 4 stars; one submission).

Allele frequency attached by ClinVar (database versions not stated): gnomAD 0.14694 and 0.14841; TOPMed 0.15443; 1000 Genomes Project 0.18151; 1000 Genomes Project 30x 0.18332.
gnomAD v4.1: 22,542 of 152,232 alleles (15%); highest among the groups gnomAD compares: East Asian, 29%; 1,892 homozygotes.

Submission:

GeneDx
Classification: Benign. Last evaluated: 2018-06-14. Review status: criteria provided, single submitter. Criteria: GeneDx Variant Classification (06012015). Collection method: clinical testing. Allele origin: germline. Affected: yes.
Comment: This variant is considered likely benign or benign based on one or more of the following criteria: it is a conservative change, it occurs at a poorly conserved position in the protein, it is predicted to be benign by multiple in silico algorithms, and/or has population frequency not consistent with disease.

NM_001083961.2(WDR62):c.562-324G>C

Gene: WDR62 (WD repeat domain 62; plus strand). Cytogenetic location: 19q13.12.
Variant type: single nucleotide variant.
Coding change: c.562-324G>C on transcript NM_001083961.2 (MANE Select); 324 bases into the intron before coding-DNA position 562, G replaced by C.
Molecular consequence: intron variant.
Genome position (GRCh38, 1-based): chr19:36,066,982, G>C. VCF-style: chr19-36066982-G-C. GRCh37 (hg19) VCF-style: chr19-36557884-G-C.
Other names: c.562-324G>C (NM_173636.5).
Identifiers: ClinVar variation 671306 (VCV000671306.1), dbSNP rs13344701, ClinGen allele CA14721548.
Genomic context (GRCh38, chr19:36,066,982, plus strand): 5'-AAATTTCATGGGTTATCCTGTGAAGGGCTCAGGGCAGGGCCCAGAGCAGGAGCCCCATCT[G>C]TGACAGCCATAGGTTGTGTTGTCCTTACATCCCAGCCGTGACTGTCCCCAATACCATGTG-3'